The following is an entry in ClinVar:

ClinVar aggregate classification (germline): Uncertain significance (1 of 4 stars; one submission).

Conditions:
Joubert syndrome 23 (JBTS23). Identifiers: Orphanet 475, MedGen C4084822, MONDO:0014664, OMIM 616490.
Short-rib thoracic dysplasia 14 with polydactyly (SRTD14). Identifiers: Orphanet 397715, MedGen C4225286, MONDO:0014688, OMIM 616546.

Allele frequency attached by ClinVar (database versions not stated): gnomAD 0.00001; gnomAD exomes 0.00001 and 0.00004; TOPMed 0.00001; ExAC 0.00003.
gnomAD v4.1: 10 of 1,611,450 alleles (0.00062%); highest among the groups gnomAD compares: East Asian, 0.022%; no homozygotes.

Submission:

Labcorp Genetics (formerly Invitae), Labcorp
Classification: Uncertain significance for Joubert syndrome 23; Short-rib thoracic dysplasia 14 with polydactyly. Last evaluated: 2021-01-17. Review status: criteria provided, single submitter. Criteria: Invitae Variant Classification Sherloc (09022015). Collection method: clinical testing. Allele origin: germline.
Comment: This variant has not been reported in the literature in individuals with KIAA0586-related conditions. This variant is present in population databases (rs781781110, ExAC 0.04%). This sequence change replaces serine with cysteine at codon 389 of the KIAA0586 protein (p.Ser389Cys). The serine residue is moderately conserved and there is a moderate physicochemical difference between serine and cysteine. Algorithms developed to predict the effect of missense changes on protein structure and function are either unavailable or do not agree on the potential impact of this missense change (SIFT: "Deleterious"; PolyPhen-2: "Probably Damaging"; Align-GVGD: "Class C0"). In summary, the available evidence is currently insufficient to determine the role of this variant in disease. Therefore, it has been classified as a Variant of Uncertain Significance.

NM_001329943.3(KIAA0586):c.1007C>G (p.Ser336Cys)

Gene: KIAA0586 (KIAA0586; plus strand). Cytogenetic location: 14q23.1.
Variant type: single nucleotide variant.
Coding change: c.1007C>G on transcript NM_001329943.3 (MANE Select); coding-DNA position 1007, C replaced by G.
Protein change: p.Ser336Cys; replaces serine 336 with cysteine.
Molecular consequence: missense variant.
Genome position (GRCh38, 1-based): chr14:58,450,624, C>G. VCF-style: chr14-58450624-C-G. GRCh37 (hg19) VCF-style: chr14-58917342-C-G.
Other names: c.1166C>G, p.Ser389Cys (NM_001244189.2); c.962C>G, p.Ser321Cys (NM_001244190.2); c.752C>G, p.Ser251Cys (NM_001244191.2, NM_001329945.2, NM_001364700.1 and 1 more transcripts); c.875C>G, p.Ser292Cys (NM_001244192.2); c.587C>G, p.Ser196Cys (NM_001244193.2); c.1007C>G, p.Ser336Cys (NM_001329944.2, NM_001329946.2, NM_001329947.2 and 1 more transcripts); short protein forms S292C, S321C, S336C, S196C, S251C, S389C.
Identifiers: ClinVar variation 1491468 (VCV001491468.6), dbSNP rs781781110, ClinGen allele CA7205537.
Genomic context (GRCh38, chr14:58,450,624, plus strand): 5'-AATTTTCTGTTAAAGCACCTTTAAAAGAAGTTGAAGATACGAGTTTTGATAAACAGAAAT[C>G]TCCTTTGGAGACACCAGCACCTCGCAGATTTGCTCCTGTACCTGTTTCAAGGGATGATGA-3'
Protein context (NP_001316872.1, residues 326-346): VEDTSFDKQK[Ser336Cys]PLETPAPRRF